The following is an entry in ClinVar:

ClinVar aggregate classification (germline): Uncertain significance (1 of 4 stars; one submission).

gnomAD v4.1: 5 of 1,614,136 alleles (0.00031%); highest among the groups gnomAD compares: Non-Finnish European, 0.00042%; no homozygotes.

Submission:

Labcorp Genetics (formerly Invitae), Labcorp
Classification: Uncertain significance. Last evaluated: 2025-10-01. Review status: criteria provided, single submitter. Criteria: Invitae Variant Classification Sherloc (09022015). Collection method: clinical testing. Allele origin: germline.
Comment: This sequence change replaces proline, which is neutral and non-polar, with alanine, which is neutral and non-polar, at codon 162 of the NDUFB8 protein (p.Pro162Ala). This variant is present in population databases (rs750400047, gnomAD 0.006%). This variant has not been reported in the literature in individuals affected with NDUFB8-related conditions. An algorithm developed to predict the effect of missense changes on protein structure and function (PolyPhen-2) suggests that this variant is likely to be tolerated. In summary, the available evidence is currently insufficient to determine the role of this variant in disease. Therefore, it has been classified as a Variant of Uncertain Significance.

NM_005004.4(NDUFB8):c.484C>G (p.Pro162Ala)

Gene: NDUFB8 (NADH:ubiquinone oxidoreductase subunit B8; minus strand). Cytogenetic location: 10q24.31.
Variant type: single nucleotide variant.
Coding change: c.484C>G on transcript NM_005004.4 (MANE Select); coding-DNA position 484, C replaced by G.
Protein change: p.Pro162Ala; replaces proline 162 with alanine.
Molecular consequence: missense variant. On other transcripts: 3 prime UTR variant (1).
Genome position (GRCh38, 1-based): chr10:100,523,914, G>C on the plus strand (C>G on the coding strand, the complement: NDUFB8 is on the minus strand). VCF-style: chr10-100523914-G-C. GRCh37 (hg19) VCF-style: chr10-102283671-G-C.
Other names: c.*175C>G (NM_001284367.2); c.391C>G, p.Pro131Ala (NM_001284368.1); short protein forms P131A, P162A.
Identifiers: ClinVar variation 4750527 (VCV004750527.1).